The following is an entry in ClinVar:

NM_025114.4(CEP290):c.3278G>C (p.Arg1093Pro)

Gene: CEP290 (centrosomal protein 290; minus strand). Cytogenetic location: 12q21.32.
Variant type: single nucleotide variant.
Coding change: c.3278G>C on transcript NM_025114.4 (MANE Select); coding-DNA position 3278, G replaced by C.
Protein change: p.Arg1093Pro; replaces arginine 1093 with proline.
Molecular consequence: missense variant.
Genome position (GRCh38, 1-based): chr12:88,093,801, C>G on the plus strand (G>C on the coding strand, the complement: CEP290 is on the minus strand). VCF-style: chr12-88093801-C-G. GRCh37 (hg19) VCF-style: chr12-88487578-C-G.
Other names: short protein forms R1093P.
Identifiers: ClinVar variation 1463015 (VCV001463015.8), dbSNP rs1049569883, ClinGen allele CA386005862.

ClinVar aggregate classification (germline): Uncertain significance (1 of 4 stars; one submission).

Conditions:
Nephronophthisis. Also called: Juvenile Nephronophthisis. Identifiers: Orphanet 655, MedGen C0687120, MONDO:0019005, HP:0000090.
Meckel-Gruber syndrome. Also called: DYSENCEPHALIA SPLANCHNOCYSTICA; GRUBER SYNDROME; Dysencephalia splachnocystica. Identifiers: Orphanet 564, MedGen C0265215, MONDO:0018921.
Joubert syndrome. Also called: CEREBELLOPARENCHYMAL DISORDER IV; JOUBERT-BOLTSHAUSER SYNDROME; Familial aplasia of the vermis. Identifiers: Orphanet 475, MedGen C5979921, MONDO:0018772.

Submission:

Labcorp Genetics (formerly Invitae), Labcorp
Classification: Uncertain significance for Joubert syndrome; Meckel-Gruber syndrome; Nephronophthisis. Last evaluated: 2023-08-30. Review status: criteria provided, single submitter. Criteria: Invitae Variant Classification Sherloc (09022015). Collection method: clinical testing. Allele origin: germline.
Comment: This sequence change replaces arginine, which is basic and polar, with proline, which is neutral and non-polar, at codon 1093 of the CEP290 protein (p.Arg1093Pro). In summary, the available evidence is currently insufficient to determine the role of this variant in disease. Therefore, it has been classified as a Variant of Uncertain Significance. Advanced modeling of protein sequence and biophysical properties (such as structural, functional, and spatial information, amino acid conservation, physicochemical variation, residue mobility, and thermodynamic stability) performed at Invitae indicates that this missense variant is expected to disrupt CEP290 protein function. ClinVar contains an entry for this variant (Variation ID: 1463015). This variant has not been reported in the literature in individuals affected with CEP290-related conditions. This variant is not present in population databases (gnomAD no frequency).